The following is an entry in ClinVar:

NM_001257096.2(PAX1):c.676G>C (p.Gly226Arg)

Gene: PAX1 (paired box 1; plus strand). Cytogenetic location: 20p11.22.
Variant type: single nucleotide variant.
Coding change: c.676G>C on transcript NM_001257096.2 (MANE Select); coding-DNA position 676, G replaced by C.
Protein change: p.Gly226Arg; replaces glycine 226 with arginine.
Molecular consequence: missense variant.
Genome position (GRCh38, 1-based): chr20:21,706,827, G>C. VCF-style: chr20-21706827-G-C. GRCh37 (hg19) VCF-style: chr20-21687465-G-C.
Other names: c.676G>C (NM_006192.3); c.676G>C, p.Gly226Arg (NM_006192.5); short protein forms G226R.
Identifiers: ClinVar variation 1923595 (VCV001923595.4), dbSNP rs757176395, ClinGen allele CA9786534.

ClinVar aggregate classification (germline): Uncertain significance. Review status: criteria provided, multiple submitters, no conflicts (2 of 4 stars). 3 submissions from 3 submitters: Uncertain significance (3). Last evaluated 2026-01-23.

Conditions:
Inborn genetic diseases. Identifiers: MedGen C0950123, MeSH D030342.

Allele frequency attached by ClinVar (database versions not stated): ExAC 0.00002.
gnomAD v4.1: 396 of 1,613,496 alleles (0.025%); highest among the groups gnomAD compares: Non-Finnish European, 0.033%; no homozygotes.

Submissions (3):

Women's Health and Genetics/Laboratory Corporation of America, LabCorp
Classification: Uncertain significance. Last evaluated: 2026-01-23. Review status: criteria provided, single submitter. Criteria: LabCorp Variant Classification Summary - May 2015. Collection method: clinical testing. Allele origin: germline.

Ambry Genetics
Classification: Uncertain significance for Inborn genetic diseases. Last evaluated: 2024-08-01. Review status: criteria provided, single submitter. Criteria: Ambry Variant Classification Scheme 2023. Collection method: clinical testing. Allele origin: germline.

Labcorp Genetics (formerly Invitae), Labcorp
Classification: Uncertain significance. Last evaluated: 2022-01-06. Review status: criteria provided, single submitter. Criteria: Invitae Variant Classification Sherloc (09022015). Collection method: clinical testing. Allele origin: germline.
Comment: This sequence change replaces glycine, which is neutral and non-polar, with arginine, which is basic and polar, at codon 226 of the PAX1 protein (p.Gly226Arg). This variant is present in population databases (rs757176395, gnomAD 0.01%). This variant has not been reported in the literature in individuals affected with PAX1-related conditions. Algorithms developed to predict the effect of missense changes on protein structure and function (SIFT, PolyPhen-2, Align-GVGD) all suggest that this variant is likely to be disruptive. In summary, the available evidence is currently insufficient to determine the role of this variant in disease. Therefore, it has been classified as a Variant of Uncertain Significance.